The following is an entry in ClinVar:

ClinVar aggregate classification (germline): Uncertain significance (1 of 4 stars; one submission).

Conditions:
Rhabdoid tumor predisposition syndrome 2 (RTPS2). Identifiers: Orphanet 231108, Orphanet 69077, MedGen C2750074, MONDO:0013224, OMIM 613325.

Submission:

Labcorp Genetics (formerly Invitae), Labcorp
Classification: Uncertain significance for Rhabdoid tumor predisposition syndrome 2. Last evaluated: 2023-12-21. Review status: criteria provided, single submitter. Criteria: Invitae Variant Classification Sherloc (09022015). Collection method: clinical testing. Allele origin: germline.
Comment: This sequence change replaces glycine, which is neutral and non-polar, with cysteine, which is neutral and slightly polar, at codon 241 of the SMARCA4 protein (p.Gly241Cys). This variant is not present in population databases (gnomAD no frequency). This variant has not been reported in the literature in individuals affected with SMARCA4-related conditions. ClinVar contains an entry for this variant (Variation ID: 639200). Advanced modeling of protein sequence and biophysical properties (such as structural, functional, and spatial information, amino acid conservation, physicochemical variation, residue mobility, and thermodynamic stability) performed at Invitae indicates that this missense variant is not expected to disrupt SMARCA4 protein function with a negative predictive value of 95%. In summary, the available evidence is currently insufficient to determine the role of this variant in disease. Therefore, it has been classified as a Variant of Uncertain Significance.

NM_003072.5(SMARCA4):c.721G>T (p.Gly241Cys)

Gene: SMARCA4 (SWI/SNF related BAF chromatin remodeling complex subunit ATPase 4; plus strand). Cytogenetic location: 19p13.2.
Variant type: single nucleotide variant.
Coding change: c.721G>T on transcript NM_003072.5 (MANE Select); coding-DNA position 721, G replaced by T.
Protein change: p.Gly241Cys; replaces glycine 241 with cysteine.
Molecular consequence: missense variant. On other transcripts: non-coding transcript variant (1).
Genome position (GRCh38, 1-based): chr19:10,986,554, G>T. VCF-style: chr19-10986554-G-T. GRCh37 (hg19) VCF-style: chr19-11097230-G-T.
Other names: c.721G>T, p.Gly241Cys (NM_001128844.3, NM_001128845.2, NM_001128846.2 and 5 more transcripts); short protein forms G241C.
Identifiers: ClinVar variation 639200 (VCV000639200.8), dbSNP rs1599953263, ClinGen allele CA404057166.